The following is an entry in ClinVar:

ClinVar aggregate classification (germline): Likely pathogenic (1 of 4 stars; one submission).

Conditions:
Familial hypocalciuric hypercalcemia (FHH). Also called: Familial benign hypercalcemia. Identifiers: Orphanet 405, MedGen C1809471, MONDO:0018458.

Submission:

Women's Health and Genetics/Laboratory Corporation of America, LabCorp
Classification: Likely pathogenic for Familial Hypocalciuric Hypercalcemia. Last evaluated: 2011-08-18. Review status: criteria provided, single submitter. Criteria: LabCorp Variant Classification Summary - May 2015. Collection method: curation, clinical testing. Allele origin: germline. Inheritance: autosomal unknown. Affected: yes.
ClinVar note: Converted during submission from likely pathogenic to Likely pathogenic.

NM_000388.4(CASR):c.1676C>A (p.Pro559His)

Gene: CASR (calcium sensing receptor; plus strand). Cytogenetic location: 3q21.1.
Variant type: single nucleotide variant.
Coding change: c.1676C>A on transcript NM_000388.4 (MANE Select); coding-DNA position 1676, C replaced by A.
Protein change: p.Pro559His; replaces proline 559 with histidine.
Molecular consequence: missense variant.
Genome position (GRCh38, 1-based): chr3:122,282,180, C>A. VCF-style: chr3-122282180-C-A. GRCh37 (hg19) VCF-style: chr3-122001027-C-A.
Other names: c.1706C>A, p.Pro569His (NM_001178065.2); short protein forms P559H, P569H.
Identifiers: ClinVar variation 35780 (VCV000035780.3), dbSNP rs193922425, ClinGen allele CA213567.